The following is an entry in ClinVar:

NM_003072.5(SMARCA4):c.725C>T (p.Pro242Leu)

Gene: SMARCA4 (SWI/SNF related BAF chromatin remodeling complex subunit ATPase 4; plus strand). Cytogenetic location: 19p13.2.
Variant type: single nucleotide variant.
Coding change: c.725C>T on transcript NM_003072.5 (MANE Select); coding-DNA position 725, C replaced by T.
Protein change: p.Pro242Leu; replaces proline 242 with leucine.
Molecular consequence: missense variant. On other transcripts: non-coding transcript variant (1).
Genome position (GRCh38, 1-based): chr19:10,986,558, C>T. VCF-style: chr19-10986558-C-T. GRCh37 (hg19) VCF-style: chr19-11097234-C-T.
Other names: c.725C>T, p.Pro242Leu (NM_001128844.3, NM_001128845.2, NM_001128846.2 and 5 more transcripts); short protein forms P242L.
Identifiers: ClinVar variation 1382459 (VCV001382459.6), dbSNP rs2145785202, ClinGen allele CA404057191.

ClinVar aggregate classification (germline): Uncertain significance (1 of 4 stars; one submission).

Conditions:
Rhabdoid tumor predisposition syndrome 2 (RTPS2). Identifiers: Orphanet 231108, Orphanet 69077, MedGen C2750074, MONDO:0013224, OMIM 613325.

Submission:

Labcorp Genetics (formerly Invitae), Labcorp
Classification: Uncertain significance for Rhabdoid tumor predisposition syndrome 2. Last evaluated: 2021-09-20. Review status: criteria provided, single submitter. Criteria: Invitae Variant Classification Sherloc (09022015). Collection method: clinical testing. Allele origin: germline.
Comment: In summary, the available evidence is currently insufficient to determine the role of this variant in disease. Therefore, it has been classified as a Variant of Uncertain Significance. Algorithms developed to predict the effect of missense changes on protein structure and function (SIFT, PolyPhen-2, Align-GVGD) all suggest that this variant is likely to be tolerated. This sequence change replaces proline with leucine at codon 242 of the SMARCA4 protein (p.Pro242Leu). The proline residue is highly conserved and there is a moderate physicochemical difference between proline and leucine. The frequency data for this variant in the population databases is considered unreliable, as metrics indicate insufficient coverage at this position in the ExAC database. This variant has not been reported in the literature in individuals affected with SMARCA4-related conditions.